The following is an entry in ClinVar:

NM_025114.4(CEP290):c.6778G>C (p.Gly2260Arg)

Gene: CEP290 (centrosomal protein 290; minus strand). Cytogenetic location: 12q21.32.
Variant type: single nucleotide variant.
Coding change: c.6778G>C on transcript NM_025114.4 (MANE Select); coding-DNA position 6778, G replaced by C.
Protein change: p.Gly2260Arg; replaces glycine 2260 with arginine.
Molecular consequence: missense variant.
Genome position (GRCh38, 1-based): chr12:88,058,888, C>G on the plus strand (G>C on the coding strand, the complement: CEP290 is on the minus strand). VCF-style: chr12-88058888-C-G. GRCh37 (hg19) VCF-style: chr12-88452665-C-G.
Other names: short protein forms G2260R.
Identifiers: ClinVar variation 848448 (VCV000848448.14), dbSNP rs371397659, ClinGen allele CA6711436.

ClinVar aggregate classification (germline): Uncertain significance. Review status: criteria provided, multiple submitters, no conflicts (2 of 4 stars). 4 submissions from 4 submitters: Uncertain significance (3). 1 of the submissions does not count toward it. Last evaluated 2026-03-20.

Conditions:
Inborn genetic diseases. Identifiers: MedGen C0950123, MeSH D030342.
Nephronophthisis. Also called: Juvenile Nephronophthisis. Identifiers: Orphanet 655, MedGen C0687120, MONDO:0019005, HP:0000090.
Meckel-Gruber syndrome. Also called: GRUBER SYNDROME; DYSENCEPHALIA SPLANCHNOCYSTICA; Dysencephalia splachnocystica. Identifiers: Orphanet 564, MedGen C0265215, MONDO:0018921.
Joubert syndrome. Also called: Familial aplasia of the vermis; JOUBERT-BOLTSHAUSER SYNDROME. Identifiers: Orphanet 475, MedGen C5979921, MONDO:0018772.
Leber congenital amaurosis (LCA). Also called: Leber's amaurosis. Identifiers: Orphanet 65, MedGen C0339527, MeSH D057130, MONDO:0018998.
CEP290-related disorder. Also called: CEP290-related condition; CEP290-related disorders. Identifiers: MedGen CN239314.

Allele frequency attached by ClinVar (database versions not stated): TOPMed below 0.00001; ExAC 0.00001; gnomAD 0.00001; gnomAD exomes 0.00001; ESP Exome Variant Server 0.00008.
gnomAD v4.1: 5 of 1,613,814 alleles (0.00031%); highest among the groups gnomAD compares: Non-Finnish European, 0.00042%; no homozygotes.

Submissions (4):

PreventionGenetics, part of Exact Sciences
Classification: Uncertain significance for CEP290-related condition. Last evaluated: 2026-03-20. Review status: criteria provided, single submitter. Criteria: ACMG Guidelines, 2015. Collection method: clinical testing. Allele origin: germline.
Comment: The CEP290 c.6778G>C variant is predicted to result in the amino acid substitution p.Gly2260Arg. To our knowledge, this variant has not been reported in the literature. This variant is reported in 0.0018% of alleles in individuals of European (Non-Finnish) descent in gnomAD. At this time, the clinical significance of this variant is uncertain due to the absence of conclusive functional and genetic evidence.

Labcorp Genetics (formerly Invitae), Labcorp
Classification: Uncertain significance for Joubert syndrome; Meckel-Gruber syndrome; Nephronophthisis. Last evaluated: 2024-11-11. Review status: criteria provided, single submitter. Criteria: Invitae Variant Classification Sherloc (09022015). Collection method: clinical testing. Allele origin: germline.
Comment: This sequence change replaces glycine, which is neutral and non-polar, with arginine, which is basic and polar, at codon 2260 of the CEP290 protein (p.Gly2260Arg). This variant is present in population databases (rs371397659, gnomAD 0.002%). This variant has not been reported in the literature in individuals affected with CEP290-related conditions. ClinVar contains an entry for this variant (Variation ID: 848448). Invitae Evidence Modeling of protein sequence and biophysical properties (such as structural, functional, and spatial information, amino acid conservation, physicochemical variation, residue mobility, and thermodynamic stability) indicates that this missense variant is not expected to disrupt CEP290 protein function with a negative predictive value of 80%. In summary, the available evidence is currently insufficient to determine the role of this variant in disease. Therefore, it has been classified as a Variant of Uncertain Significance.

Ambry Genetics
Classification: Uncertain significance for Inborn genetic diseases. Last evaluated: 2024-08-01. Review status: criteria provided, single submitter. Criteria: Ambry Variant Classification Scheme 2023. Collection method: clinical testing. Allele origin: germline.

Natera, Inc.
Classification: Uncertain significance for Leber congenital amaurosis. Last evaluated: 2021-09-10. Review status: no assertion criteria provided. Collection method: clinical testing. Allele origin: germline. Not counted in ClinVar's aggregate classification.